The following is an entry in ClinVar:

NM_020458.4(TTC7A):c.1093G>A (p.Val365Met)

Gene: TTC7A (tetratricopeptide repeat domain 7A; plus strand). Cytogenetic location: 2p21.
Variant type: single nucleotide variant.
Coding change: c.1093G>A on transcript NM_020458.4 (MANE Select); coding-DNA position 1093, G replaced by A.
Protein change: p.Val365Met; replaces valine 365 with methionine.
Molecular consequence: missense variant.
Genome position (GRCh38, 1-based): chr2:47,005,949, G>A. VCF-style: chr2-47005949-G-A. GRCh37 (hg19) VCF-style: chr2-47233088-G-A.
Other names: c.1093G>A, p.Val365Met (NM_001288951.2); c.991G>A, p.Val331Met (NM_001288953.2); c.31G>A, p.Val11Met (NM_001288955.2); short protein forms V331M, V365M, V11M.
Identifiers: ClinVar variation 727776 (VCV000727776.14), dbSNP rs202176990, ClinGen allele CA1647497.

ClinVar aggregate classification (germline): Conflicting classifications of pathogenicity. Review status: criteria provided, conflicting classifications (1 of 4 stars). 3 submissions from 3 submitters: Uncertain significance (1); Likely benign (2). Last evaluated 2026-01-25.

Conditions:
Multiple gastrointestinal atresias. Also called: FAMILIAL INTESTINAL POLYATRESIA SYNDROME; Multiple intestinal atresia. Identifiers: Orphanet 2300, MedGen C0220744, MONDO:0009465.

Allele frequency attached by ClinVar (database versions not stated): gnomAD 0.00009; gnomAD exomes 0.00010 and 0.00020; TOPMed 0.00014; ESP Exome Variant Server 0.00015; ExAC 0.00017.
gnomAD v4.1: 172 of 1,614,014 alleles (0.011%); highest among the groups gnomAD compares: East Asian, 0.0022%; no homozygotes.

Submissions (3):

Labcorp Genetics (formerly Invitae), Labcorp
Classification: Likely benign for Multiple gastrointestinal atresias. Last evaluated: 2026-01-25. Review status: criteria provided, single submitter. Criteria: Invitae Variant Classification Sherloc (09022015). Collection method: clinical testing. Allele origin: germline.

GeneDx
Classification: Uncertain significance. Last evaluated: 2024-05-15. Review status: criteria provided, single submitter. Criteria: GeneDx Variant Classification Process June 2021. Collection method: clinical testing. Allele origin: germline. Affected: yes.
Comment: In silico analysis indicates that this missense variant does not alter protein structure/function; Has not been previously published as pathogenic or benign to our knowledge

Breakthrough Genomics
Classification: Likely benign. Review status: criteria provided, single submitter. Criteria: ACMG Guidelines, 2015. Collection method: not provided. Allele origin: germline. Inheritance: Autosomal recessive inheritance. Affected: yes.